The following is an entry in ClinVar:

ClinVar aggregate classification (germline): Pathogenic (1 of 4 stars; one submission).

Conditions:
Multiple congenital exostosis (EXT). Also called: Hereditary multiple osteochondromas; MULTIPLE CARTILAGINOUS EXOSTOSES; Hereditary multiple exostoses; Hereditary multiple exostosis; Multiple osteochondromas; Multiple exostoses. Identifiers: Orphanet 321, MedGen C0015306, MONDO:0005508, HP:0002762.

Submission:

Labcorp Genetics (formerly Invitae), Labcorp
Classification: Pathogenic for Multiple congenital exostosis. Last evaluated: 2024-06-15. Review status: criteria provided, single submitter. Criteria: Invitae Variant Classification Sherloc (09022015). Collection method: clinical testing. Allele origin: germline.
Comment: This sequence change creates a premature translational stop signal (p.Tyr637Cysfs*5) in the EXT1 gene. It is expected to result in an absent or disrupted protein product. Loss-of-function variants in EXT1 are known to be pathogenic (PMID: 10679937, 11391482, 19810120). This variant is not present in population databases (gnomAD no frequency). This variant has not been reported in the literature in individuals affected with EXT1-related conditions. For these reasons, this variant has been classified as Pathogenic.

Literature cited by the submitters: PubMed 10679937; PubMed 11391482; PubMed 19810120.

NM_000127.3(EXT1):c.1908_1911del (p.Tyr637fs)

Gene: EXT1 (exostosin glycosyltransferase 1; minus strand). Cytogenetic location: 8q24.11.
Variant type: Deletion.
Coding change: c.1908_1911del on transcript NM_000127.3 (MANE Select); coding-DNA positions 1908 to 1911, 4 bases deleted (TTAC; older notation c.1908_1911delTTAC).
Protein change: p.Tyr637fs; shifts the reading frame from tyrosine 637.
Molecular consequence: frameshift variant.
Genome position (GRCh38, 1-based): chr8:117,804,866-117,804,869, GTAA deleted on the plus strand (TTAC on the coding strand, the reverse complement: EXT1 is on the minus strand). VCF-style (leftmost placement, unchanged base first): chr8-117804865-GGTAA-G. GRCh37 (hg19) VCF-style: chr8-118817104-GGTAA-G.
Other names: short protein forms Y637fs.
Identifiers: ClinVar variation 3656723 (VCV003656723.2).